The following is an entry in ClinVar:

NM_000198.4(HSD3B2):c.*96C>G

Gene: HSD3B2 (hydroxy-delta-5-steroid dehydrogenase, 3 beta- and steroid delta-isomerase 2; plus strand). Cytogenetic location: 1p12.
Variant type: single nucleotide variant.
Coding change: c.*96C>G on transcript NM_000198.4 (MANE Select); 96 bases downstream of the stop codon, C replaced by G.
Molecular consequence: 3 prime UTR variant.
Genome position (GRCh38, 1-based): chr1:119,422,716, C>G. VCF-style: chr1-119422716-C-G. GRCh37 (hg19) VCF-style: chr1-119965339-C-G.
Other names: c.*96C>G (NM_001166120.2).
Identifiers: ClinVar variation 292270 (VCV000292270.6), dbSNP rs9282703, ClinGen allele CA10607891.

ClinVar aggregate classification (germline): Benign. Review status: criteria provided, multiple submitters, no conflicts (2 of 4 stars). 2 submissions from 2 submitters: Benign (2). Last evaluated 2019-04-20.

Conditions:
3 beta-Hydroxysteroid dehydrogenase deficiency. Also called: Congenital adrenal hyperplasia due to 3-beta-hydroxysteroid dehydrogenase deficiency; 3b-hydroxysteroid dehydrogenase deficiency; 3-BETA-HSD DEFICIENCY; ADRENAL HYPERPLASIA II; ADRENAL HYPERPLASIA, CONGENITAL, DUE TO 3-BETA-HYDROXYSTEROID DEHYDROGENASE 2 DEFICIENCY. Identifiers: Orphanet 90791, MedGen C0342471, MeSH C538236, MONDO:0008727, OMIM 201810. Disease mechanism: loss of function.

Allele frequency attached by ClinVar (database versions not stated): 1000 Genomes Project 0.02037; gnomAD 0.02074 and 0.02228; 1000 Genomes Project 30x 0.02124; TOPMed 0.02340.
gnomAD v4.1: 10,570 of 1,422,414 alleles (0.74%); highest among the groups gnomAD compares: African/African-American, 6.1%; 153 homozygotes.

Submissions (2):

GeneDx
Classification: Benign. Last evaluated: 2019-04-20. Review status: criteria provided, single submitter. Criteria: GeneDx Variant Classification Process June 2021. Collection method: clinical testing. Allele origin: germline. Affected: yes.

Illumina Laboratory Services, Illumina
Classification: Benign for 3 beta-Hydroxysteroid dehydrogenase deficiency. Last evaluated: 2018-01-12. Review status: criteria provided, single submitter. Criteria: ICSL Variant Classification Criteria 13 December 2019. Collection method: clinical testing. Allele origin: germline.
Comment: This variant was observed in the ICSL laboratory as part of a predisposition screen in an ostensibly healthy population. It had not been previously curated by ICSL or reported in the Human Gene Mutation Database (HGMD: prior to June 1st, 2018), and was therefore a candidate for classification through an automated scoring system. Utilizing variant allele frequency, disease prevalence and penetrance estimates, and inheritance mode, an automated score was calculated to assess if this variant is too frequent to cause the disease. Based on the score and internal cut-off values, a variant classified as benign is not then subjected to further curation. The score for this variant resulted in a classification of benign for this disease.